The following is an entry in ClinVar:

ClinVar aggregate classification (germline): Benign. Review status: criteria provided, multiple submitters, no conflicts (2 of 4 stars). 2 submissions from 2 submitters: Benign (2). Last evaluated 2026-08-01.

Allele frequency attached by ClinVar (database versions not stated): 1000 Genomes Project 0.00339; 1000 Genomes Project 30x 0.00344; TOPMed 0.00689; ExAC 0.00765; gnomAD 0.00817 and 0.00835; ESP Exome Variant Server 0.00857; gnomAD exomes 0.00934.
gnomAD v4.1: 17,645 of 1,543,112 alleles (1.1%); highest among the groups gnomAD compares: Non-Finnish European, 1.3%; 136 homozygotes.

Submissions (2):

CeGaT Center for Human Genetics Tuebingen
Classification: Benign. Last evaluated: 2026-08-01. Review status: criteria provided, single submitter. Criteria: CeGaT Center For Human Genetics Tuebingen Variant Classification Criteria Version 2. Collection method: clinical testing. Allele origin: germline. Affected: yes. Observed: 43 variant alleles.
Comment: INTS1: BP4, BP7, BS1, BS2

Labcorp Genetics (formerly Invitae), Labcorp
Classification: Benign. Last evaluated: 2019-12-31. Review status: criteria provided, single submitter. Criteria: Invitae Variant Classification Sherloc (09022015). Collection method: clinical testing. Allele origin: germline.

NM_001080453.3(INTS1):c.5388C>A (p.Gly1796=)

Gene: INTS1 (integrator complex subunit 1; minus strand). Cytogenetic location: 7p22.3.
Variant type: single nucleotide variant.
Coding change: c.5388C>A on transcript NM_001080453.3 (MANE Select); coding-DNA position 5388, C replaced by A.
Protein change: p.Gly1796=; no amino-acid change (glycine 1796 retained).
Molecular consequence: synonymous variant.
Genome position (GRCh38, 1-based): chr7:1,476,062, G>T on the plus strand (C>A on the coding strand, the complement: INTS1 is on the minus strand). VCF-style: chr7-1476062-G-T. GRCh37 (hg19) VCF-style: chr7-1515698-G-T.
Identifiers: ClinVar variation 774451 (VCV000774451.28), dbSNP rs183370246, ClinGen allele CA4118435.